The following is an entry in ClinVar:

NM_001397406.1(FDX2):c.20G>A (p.Arg7Gln)

Genes: FDX2 (ferredoxin 2; minus strand), FDX2-ZGLP1 (FDX2-ZGLP1 readthrough; minus strand). Cytogenetic location: 19p13.2.
Variant type: single nucleotide variant.
Coding change: c.20G>A on transcript NM_001397406.1 (MANE Select); coding-DNA position 20, G replaced by A.
Protein change: p.Arg7Gln; replaces arginine 7 with glutamine.
Molecular consequence: missense variant.
Genome position (GRCh38, 1-based): chr19:10,315,977, C>T on the plus strand (G>A on the coding strand, the complement: FDX2 is on the minus strand). VCF-style: chr19-10315977-C-T. GRCh37 (hg19) VCF-style: chr19-10426653-C-T.
Other names: c.29G>A, p.Arg10Gln (NM_001031734.4); short protein forms R7Q, R10Q.
Identifiers: ClinVar variation 2066861 (VCV002066861.1), dbSNP rs751790431, ClinGen allele CA9191377.
Genomic context (GRCh38, chr19:10,315,977, plus strand): 5'-GGTCTGTTCCACCAGGTGCCCCTGGCAGCCTGCAGTAGAACCCTGGCACTCACGCCTCCC[C>T]GGGCCATGGAGGCGGCCATGACATGCATCACGTGACTCACCGACTGAGCATGCGCCGCGC-3'
Protein context (NP_001384335.1, residues 1-17): MAASMA[Arg7Gln]GGVSARVLLQ

ClinVar aggregate classification (germline): Uncertain significance (1 of 4 stars; one submission).

Allele frequency attached by ClinVar (database versions not stated): TOPMed 0.00002.
gnomAD v4.1: 13 of 1,608,626 alleles (0.00081%); highest among the groups gnomAD compares: Admixed American, 0.019%; no homozygotes.

Submission:

Labcorp Genetics (formerly Invitae), Labcorp
Classification: Uncertain significance. Last evaluated: 2022-07-06. Review status: criteria provided, single submitter. Criteria: Invitae Variant Classification Sherloc (09022015). Collection method: clinical testing. Allele origin: germline.
Comment: This sequence change replaces arginine, which is basic and polar, with glutamine, which is neutral and polar, at codon 10 of the FDX2 protein (p.Arg10Gln). This variant is present in population databases (rs751790431, gnomAD 0.03%). This variant has not been reported in the literature in individuals affected with FDX2-related conditions. Algorithms developed to predict the effect of missense changes on protein structure and function are either unavailable or do not agree on the potential impact of this missense change (SIFT: "Deleterious"; PolyPhen-2: "Not Available"; Align-GVGD: "Class C0"). In summary, the available evidence is currently insufficient to determine the role of this variant in disease. Therefore, it has been classified as a Variant of Uncertain Significance.